The following is an entry in ClinVar:

ClinVar aggregate classification (germline): Benign/Likely benign. Review status: criteria provided, multiple submitters, no conflicts (2 of 4 stars). 4 submissions from 4 submitters: Benign (2); Likely benign (2). Last evaluated 2026-01-25.

Conditions:
Mucopolysaccharidosis type 6 (MPS6). Also called: MPS VI; MPS 6; Maroteaux Lamy syndrome; ARSB DEFICIENCY; ARYLSULFATASE B DEFICIENCY; N-ACETYLGALACTOSAMINE-4-SULFATASE DEFICIENCY. Identifiers: Orphanet 583, MedGen C0026709, MONDO:0009661, OMIM 253200.

Allele frequency attached by ClinVar (database versions not stated): 1000 Genomes Project 0.00100; gnomAD 0.00106 and 0.00097; TOPMed 0.00114; ESP Exome Variant Server 0.00131; gnomAD exomes 0.00029; ExAC 0.00035; 1000 Genomes Project 30x 0.00078.

Submissions (4):

Labcorp Genetics (formerly Invitae), Labcorp
Classification: Benign for Mucopolysaccharidosis type 6. Last evaluated: 2026-01-25. Review status: criteria provided, single submitter. Criteria: Invitae Variant Classification Sherloc (09022015). Collection method: clinical testing. Allele origin: germline.

Mayo Clinic Laboratories, Mayo Clinic
Classification: Likely benign. Last evaluated: 2025-05-07. Review status: criteria provided, single submitter. Criteria: ACMG Guidelines, 2015. Collection method: clinical testing. Allele origin: germline. Observed: 2 variant alleles.
Comment: BS1, BP4, BP7

Blueprint Genetics
Classification: Likely benign. Last evaluated: 2024-10-18. Review status: criteria provided, single submitter. Criteria: ACMG Guidelines, 2015. Collection method: clinical testing. Allele origin: germline.

Breakthrough Genomics
Classification: Benign. Review status: criteria provided, single submitter. Criteria: ACMG Guidelines, 2015. Collection method: not provided. Allele origin: germline. Inheritance: Autosomal recessive inheritance. Affected: yes.

NM_000046.5(ARSB):c.456G>T (p.Arg152=)

Gene: ARSB (arylsulfatase B; minus strand). Cytogenetic location: 5q14.1.
Variant type: single nucleotide variant.
Coding change: c.456G>T on transcript NM_000046.5 (MANE Select); coding-DNA position 456, G replaced by T.
Protein change: p.Arg152=; no amino-acid change (arginine 152 retained).
Molecular consequence: synonymous variant.
Genome position (GRCh38, 1-based): chr5:78,969,049, C>A on the plus strand (G>T on the coding strand, the complement: ARSB is on the minus strand). VCF-style: chr5-78969049-C-A. GRCh37 (hg19) VCF-style: chr5-78264872-C-A.
Other names: p.Arg152=; c.456G>T, p.Arg152= (NM_198709.3).
Identifiers: ClinVar variation 527329 (VCV000527329.14), dbSNP rs140747158, ClinGen allele CA3318264.